The following is an entry in ClinVar:

NM_001368894.2(PAX6):c.1079del (p.Pro360fs)

Gene: PAX6 (paired box 6; minus strand). Cytogenetic location: 11p13.
Variant type: Deletion.
Coding change: c.1079del on transcript NM_001368894.2 (MANE Select); coding-DNA position 1079, one base deleted (C; older notation c.1079delC).
Protein change: p.Pro360fs; shifts the reading frame from proline 360.
Molecular consequence: frameshift variant. On other transcripts: non-coding transcript variant (1), intron variant (9).
Genome position (GRCh38, 1-based): chr11:31,790,856, G deleted on the plus strand (C on the coding strand, the reverse complement: PAX6 is on the minus strand); the first of 5 consecutive G bases (chr11:31,790,856-31,790,860); deleting any one gives the same sequence. VCF-style (leftmost placement, unchanged base first): chr11-31790855-TG-T. GRCh37 (hg19) VCF-style: chr11-31812403-TG-T.
Other names: c.1037del, p.Pro346fs (NM_000280.6, NM_001127612.3, NM_001258464.2 and 6 more transcripts); c.1079del, p.Pro360fs (NM_001258462.3, NM_001258463.2, NM_001310158.2 and 3 more transcripts); c.629del, p.Pro210fs (NM_001310160.2, NM_001310161.3, NM_001368899.2 and 10 more transcripts); c.1280del, p.Pro427fs (NM_001368910.2); c.1154del, p.Pro385fs (NM_001368918.2, NM_001368919.2); c.1112del, p.Pro371fs (NM_001368920.2); c.878del, p.Pro293fs (NM_001368922.2, NM_001368923.2, NM_001368924.2 and 3 more transcripts); c.836del, p.Pro279fs (NM_001368928.2); and 6 more; short protein forms P293fs, P360fs, P145fs, P210fs, P279fs, P346fs, P371fs, P385fs.
Identifiers: ClinVar variation 800471 (VCV000800471.3), dbSNP rs1592370052, ClinGen allele CA915948032.

ClinVar aggregate classification (germline): Pathogenic. Review status: criteria provided, multiple submitters, no conflicts (2 of 4 stars). 2 submissions from 2 submitters: Pathogenic (2). Last evaluated 2025-08-01.

Conditions:
PAX6-related disorder. Also called: PAX6-related disorders; PAX6-related condition.
Aniridia 1 (AN1). Identifiers: Orphanet 250923, MedGen C0344542, MONDO:0024507, OMIM 106210.

Submissions (2):

3billion
Classification: Pathogenic for PAX6-related disorder. Last evaluated: 2025-08-01. Review status: criteria provided, single submitter. Criteria: ACMG Guidelines, 2015. Collection method: clinical testing. Allele origin: germline. Affected: yes.
Comment: The variant is not observed in the gnomAD v4.1.0 dataset. Predicted Consequence/Location: Frameshift: predicted to result in a loss or disruption of normal protein function through nonsense-mediated decay (NMD) or protein truncation. Multiple pathogenic variants are reported downstream of the variant. The variant has been reported to be associated with PAX6-related disorder (ClinVar ID: VCV000800471 /PMID: 18241071). Therefore, this variant is classified as Pathogenic according to the recommendation of ACMG/AMP guideline.

Wessex Regional Genetics Laboratory, Salisbury District Hospital
Classification: Pathogenic for Aniridia 1. Last evaluated: 2019-08-15. Review status: criteria provided, single submitter. Criteria: ACMG Guidelines, 2015. Collection method: clinical testing. Allele origin: unknown. Inheritance: Autosomal dominant inheritance. Affected: yes. Observed: 2 variant alleles.

Literature cited by the submitters: PubMed 18241071 (cited by 3billion).